The following is an entry in ClinVar:

ClinVar aggregate classification (germline): Uncertain significance (1 of 4 stars; one submission).

Submission:

Ambry Genetics
Classification: Uncertain significance. Last evaluated: 2026-01-10. Review status: criteria provided, single submitter. Criteria: Ambry Variant Classification Scheme 2023. Collection method: clinical testing. Allele origin: germline.
Comment: The p.P250S variant (also known as c.748C>T), located in coding exon 1 of the CDK12 gene, results from a C to T substitution at nucleotide position 748. The proline at codon 250 is replaced by serine, an amino acid with similar properties. This amino acid position is conserved. In addition, this alteration is predicted to be tolerated by in silico analysis. Based on the available evidence, the clinical significance of this variant remains unclear.

NM_016507.4(CDK12):c.748C>T (p.Pro250Ser)

Genes: CDK12 (cyclin dependent kinase 12; plus strand), LOC126862553 (CDK7 strongly-dependent group 2 enhancer GRCh37_chr17:37618166-37619365; plus strand). Cytogenetic location: 17q12.
Variant type: single nucleotide variant.
Coding change: c.748C>T on transcript NM_016507.4 (MANE Select); coding-DNA position 748, C replaced by T.
Protein change: p.Pro250Ser; replaces proline 250 with serine.
Molecular consequence: missense variant.
Genome position (GRCh38, 1-based): chr17:39,462,819, C>T. VCF-style: chr17-39462819-C-T. GRCh37 (hg19) VCF-style: chr17-37619072-C-T.
Other names: c.748C>T, p.Pro250Ser (NM_015083.4); short protein forms P250S.
Identifiers: ClinVar variation 4841700 (VCV004841700.1).